The following is an entry in ClinVar:

ClinVar aggregate classification (germline): Benign. Review status: criteria provided, multiple submitters, no conflicts (2 of 4 stars). 2 submissions from 2 submitters: Benign (2). Last evaluated 2026-01-21.

Allele frequency attached by ClinVar (database versions not stated): 1000 Genomes Project 30x 0.30762; TOPMed 0.30955; gnomAD 0.31405; 1000 Genomes Project 0.31410; ESP Exome Variant Server 0.31908; ExAC 0.35191.
gnomAD v4.1: 597,748 of 1,610,764 alleles (37%); highest among the groups gnomAD compares: South Asian, 42%; 114,911 homozygotes.

Submissions (3):

Women's Health and Genetics/Laboratory Corporation of America, LabCorp
Classification: Benign. Last evaluated: 2026-01-21. Review status: criteria provided, single submitter. Criteria: LabCorp Variant Classification Summary - May 2015. Collection method: clinical testing. Allele origin: germline.

Unidad de Genómica Garrahan, Hospital de Pediatría Garrahan
Classification: Benign. Last evaluated: 2024-01-24. Review status: criteria provided, single submitter. Criteria: ACMG Guidelines, 2015. Collection method: clinical testing. Allele origin: germline. Affected: no. Observed: 49 variant alleles.
Comment: This variant is classified as Benign based on local population frequency. This variant was detected in 52% of patients studied by a panel of primary immunodeficiencies. Number of patients: 49. Only high quality variants are reported.

Dr. Peter K. Rogan Lab, Western University
No classification provided (evidence only). Condition: Hepatocellular carcinoma. Review status: no classification provided. Collection method: in vitro. Allele origin: not applicable. Functional consequence: retained intron. Not counted in ClinVar's aggregate classification.

NM_030877.5(CTNNBL1):c.1604-14C>A

Gene: CTNNBL1 (catenin beta like 1; plus strand). Cytogenetic location: 20q11.23.
Variant type: single nucleotide variant.
Coding change: c.1604-14C>A on transcript NM_030877.5 (MANE Select); 14 bases into the intron before coding-DNA position 1604, C replaced by A.
Molecular consequence: intron variant.
Genome position (GRCh38, 1-based): chr20:37,871,911, C>A. VCF-style: chr20-37871911-C-A. GRCh37 (hg19) VCF-style: chr20-36500313-C-A.
Other names: NC_000020.10:g.36500313C>A; c.1523-14C>A (NM_001281495.2).
Identifiers: ClinVar variation 2688114 (VCV002688114.4), dbSNP rs717599, ClinGen allele CA9848759.
Genomic context (GRCh38, chr20:37,871,911, plus strand): 5'-AAGGTATGAAGCGACGCAGCCACGGTGGATGCCATGCCTGGGATCCACTCCTGACTCTAT[C>A]TTTGTCCCCCTAGAGTATGCAGAGAACATCGGGGACGGCCGGAGCCCGGAGTTCCGGGAG-3'